The following is an entry in ClinVar:

NM_002529.4(NTRK1):c.1326T>A (p.Cys442Ter)

Gene: NTRK1 (neurotrophic receptor tyrosine kinase 1; plus strand). Cytogenetic location: 1q23.1.
Variant type: single nucleotide variant.
Coding change: c.1326T>A on transcript NM_002529.4 (MANE Select); coding-DNA position 1326, T replaced by A.
Protein change: p.Cys442Ter; replaces cysteine 442 with a stop codon.
Molecular consequence: nonsense.
Genome position (GRCh38, 1-based): chr1:156,874,980, T>A. VCF-style: chr1-156874980-T-A. GRCh37 (hg19) VCF-style: chr1-156844772-T-A.
Other names: c.1218T>A, p.Cys406Ter (NM_001007792.1); c.1308T>A, p.Cys436Ter (NM_001012331.2); short protein forms C436*, C406*, C442*.
Identifiers: ClinVar variation 4730922 (VCV004730922.1).

ClinVar aggregate classification (germline): Pathogenic (1 of 4 stars; one submission).

Conditions:
Hereditary insensitivity to pain with anhidrosis (CIPA). Also called: NEUROPATHY, CONGENITAL SENSORY, WITH ANHIDROSIS; hereditary sensory and autonomic neuropathy type 4; INSENSITIVITY TO PAIN, CONGENITAL, WITH ANHIDROSIS; NTRK1 Congenital Insensitivity to Pain with Anhidrosis; FAMILIAL DYSAUTONOMIA, TYPE II; HSAN Type IV. Identifiers: Orphanet 642, MedGen C0020074, MONDO:0009746, OMIM 256800.

Submission:

Labcorp Genetics (formerly Invitae), Labcorp
Classification: Pathogenic for Hereditary insensitivity to pain with anhidrosis. Last evaluated: 2025-11-10. Review status: criteria provided, single submitter. Criteria: Invitae Variant Classification Sherloc (09022015). Collection method: clinical testing. Allele origin: germline.
Comment: This sequence change creates a premature translational stop signal (p.Cys436*) in the NTRK1 gene. It is expected to result in an absent or disrupted protein product. Loss-of-function variants in NTRK1 are known to be pathogenic (PMID: 10982191). This variant is not present in population databases (gnomAD no frequency). This variant has not been reported in the literature in individuals affected with NTRK1-related conditions. For these reasons, this variant has been classified as Pathogenic.

Literature cited by the submitters: PubMed 10982191.